The following is an entry in ClinVar:

ClinVar aggregate classification (germline): Uncertain significance. Review status: criteria provided, multiple submitters, no conflicts (2 of 4 stars). 3 submissions from 3 submitters: Uncertain significance (3). Last evaluated 2025-12-26.

Conditions:
NPHP4-related disorder. Also called: NPHP4-related disorders; NPHP4-related condition. Identifiers: MedGen CN239384.
Inborn genetic diseases. Identifiers: MedGen C0950123, MeSH D030342.
Nephronophthisis. Also called: Juvenile Nephronophthisis. Identifiers: Orphanet 655, MedGen C0687120, MONDO:0019005, HP:0000090.

Allele frequency attached by ClinVar (database versions not stated): gnomAD exomes 0.00002; TOPMed 0.00002; gnomAD 0.00004; ExAC 0.00006.
gnomAD v4.1: 27 of 1,574,038 alleles (0.0017%); highest among the groups gnomAD compares: Middle Eastern, 0.033%; no homozygotes.

Submissions (3):

PreventionGenetics, part of Exact Sciences
Classification: Uncertain significance for NPHP4-related condition. Last evaluated: 2025-12-26. Review status: criteria provided, single submitter. Criteria: ACMG Guidelines, 2015. Collection method: clinical testing. Allele origin: germline.
Comment: The NPHP4 c.1510A>G variant is predicted to result in the amino acid substitution p.Ile504Val. To our knowledge, this variant has not been reported in the literature. This variant is reported in 0.021% of alleles in individuals of South Asian descent in gnomAD. At this time, the clinical significance of this variant is uncertain due to the absence of conclusive functional and genetic evidence.

Ambry Genetics
Classification: Uncertain significance for Inborn genetic diseases. Last evaluated: 2025-09-01. Review status: criteria provided, single submitter. Criteria: Ambry Variant Classification Scheme 2023. Collection method: clinical testing. Allele origin: germline.

Labcorp Genetics (formerly Invitae), Labcorp
Classification: Uncertain significance for Nephronophthisis. Last evaluated: 2022-05-16. Review status: criteria provided, single submitter. Criteria: Invitae Variant Classification Sherloc (09022015). Collection method: clinical testing. Allele origin: germline.
Comment: This sequence change replaces isoleucine, which is neutral and non-polar, with valine, which is neutral and non-polar, at codon 504 of the NPHP4 protein (p.Ile504Val). This variant is present in population databases (rs754236740, gnomAD 0.02%). This variant has not been reported in the literature in individuals affected with NPHP4-related conditions. Algorithms developed to predict the effect of missense changes on protein structure and function (SIFT, PolyPhen-2, Align-GVGD) all suggest that this variant is likely to be tolerated. In summary, the available evidence is currently insufficient to determine the role of this variant in disease. Therefore, it has been classified as a Variant of Uncertain Significance.

NM_015102.5(NPHP4):c.1510A>G (p.Ile504Val)

Gene: NPHP4 (nephrocystin 4; minus strand). Cytogenetic location: 1p36.31.
Variant type: single nucleotide variant.
Coding change: c.1510A>G on transcript NM_015102.5 (MANE Select); coding-DNA position 1510, A replaced by G.
Protein change: p.Ile504Val; replaces isoleucine 504 with valine.
Molecular consequence: missense variant. On other transcripts: non-coding transcript variant (1), intron variant (2).
Genome position (GRCh38, 1-based): chr1:5,907,216, T>C on the plus strand (A>G on the coding strand, the complement: NPHP4 is on the minus strand). VCF-style: chr1-5907216-T-C. GRCh37 (hg19) VCF-style: chr1-5967276-T-C.
Other names: c.1510A>G (NM_015102.4, NM_015102.3); c.76-1433A>G (NM_001291594.2); c.76-1436A>G (NM_001291593.2); short protein forms I504V.
Identifiers: ClinVar variation 2195067 (VCV002195067.3), dbSNP rs754236740, ClinGen allele CA554459.